The following is an entry in ClinVar:

NM_033305.3(VPS13A):c.228T>C (p.Thr76=)

Gene: VPS13A (vacuolar protein sorting 13 homolog A; plus strand). Cytogenetic location: 9q21.2.
Variant type: single nucleotide variant.
Coding change: c.228T>C on transcript NM_033305.3 (MANE Select); coding-DNA position 228, T replaced by C.
Protein change: p.Thr76=; no amino-acid change (threonine 76 retained).
Molecular consequence: synonymous variant.
Genome position (GRCh38, 1-based): chr9:77,205,353, T>C. VCF-style: chr9-77205353-T-C. GRCh37 (hg19) VCF-style: chr9-79820269-T-C.
Other names: c.228T>C, p.Thr76= (NM_001018037.2, NM_001018038.3, NM_015186.4).
Identifiers: ClinVar variation 695480 (VCV000695480.21), dbSNP rs115443572, ClinGen allele CA5091279.

ClinVar aggregate classification (germline): Benign/Likely benign. Review status: criteria provided, multiple submitters, no conflicts (2 of 4 stars). 6 submissions from 6 submitters: Benign (4); Likely benign (1). 1 of the submissions does not count toward it. Last evaluated 2026-02-04.

Conditions:
VPS13A-related disorder. Also called: VPS13A-related condition.
VPS13A-related neurodegenerative disease. Also called: Choreaacanthocytosis; Choreoacanthocytosis; Chorea-acanthocytosis; LEVINE-CRITCHLEY SYNDROME; VPS13A Disease; ACANTHOCYTOSIS WITH NEUROLOGIC DISORDER. Identifiers: Orphanet 2388, MedGen C0393576, MONDO:0008695, OMIM 200150.

Allele frequency attached by ClinVar (database versions not stated): gnomAD exomes 0.00077 and 0.00218; ExAC 0.00283; gnomAD 0.00762; 1000 Genomes Project 0.00819; 1000 Genomes Project 30x 0.00874; ESP Exome Variant Server 0.01004; TOPMed 0.01023.
gnomAD v4.1: 2,348 of 1,514,484 alleles (0.16%); highest among the groups gnomAD compares: African/African-American, 2.9%; 35 homozygotes.

Submissions (6):

Labcorp Genetics (formerly Invitae), Labcorp
Classification: Benign. Last evaluated: 2026-02-04. Review status: criteria provided, single submitter. Criteria: Invitae Variant Classification Sherloc (09022015). Collection method: clinical testing. Allele origin: germline.

PreventionGenetics, part of Exact Sciences
Classification: Likely benign for VPS13A-related condition. Last evaluated: 2025-07-02. Review status: criteria provided, single submitter. Criteria: ACMG Guidelines, 2015. Collection method: clinical testing. Allele origin: germline.
Comment: This variant is classified as likely benign based on ACMG/AMP sequence variant interpretation guidelines (Richards et al. 2015 PMID: 25741868, with internal and published modifications).

Athena Diagnostics
Classification: Benign. Last evaluated: 2024-06-06. Review status: criteria provided, single submitter. Criteria: Athena Diagnostics Criteria. Collection method: clinical testing. Allele origin: unknown.

GeneDx
Classification: Benign. Last evaluated: 2018-10-25. Review status: criteria provided, single submitter. Criteria: GeneDx Variant Classification Process June 2021. Collection method: clinical testing. Allele origin: germline. Affected: yes.

Illumina Laboratory Services, Illumina
Classification: Benign for VPS13A-related neurodegenerative disease. Last evaluated: 2018-01-12. Review status: criteria provided, single submitter. Criteria: ICSL Variant Classification Criteria 13 December 2019. Collection method: clinical testing. Allele origin: germline.
Comment: This variant was observed in the ICSL laboratory as part of a predisposition screen in an ostensibly healthy population. It had not been previously curated by ICSL or reported in the Human Gene Mutation Database (HGMD: prior to June 1st, 2018), and was therefore a candidate for classification through an automated scoring system. Utilizing variant allele frequency, disease prevalence and penetrance estimates, and inheritance mode, an automated score was calculated to assess if this variant is too frequent to cause the disease. Based on the score and internal cut-off values, a variant classified as benign is not then subjected to further curation. The score for this variant resulted in a classification of benign for this disease.

Natera, Inc.
Classification: Benign for Choreaacanthocytosis. Last evaluated: 2020-09-16. Review status: no assertion criteria provided. Collection method: clinical testing. Allele origin: germline. Not counted in ClinVar's aggregate classification.